The following is an entry in ClinVar:

NM_000552.5(VWF):c.1438C>G (p.Leu480Val)

Gene: VWF (von Willebrand factor; minus strand). Cytogenetic location: 12p13.31.
Variant type: single nucleotide variant.
Coding change: c.1438C>G on transcript NM_000552.5 (MANE Select); coding-DNA position 1438, C replaced by G.
Protein change: p.Leu480Val; replaces leucine 480 with valine.
Molecular consequence: missense variant.
Genome position (GRCh38, 1-based): chr12:6,063,049, G>C on the plus strand (C>G on the coding strand, the complement: VWF is on the minus strand). VCF-style: chr12-6063049-G-C. GRCh37 (hg19) VCF-style: chr12-6172215-G-C.
Other names: c.1438C>G (NM_000552.4); short protein forms L480V.
Identifiers: ClinVar variation 4689220 (VCV004689220.2).

ClinVar aggregate classification (germline): Uncertain significance. Review status: criteria provided, multiple submitters, no conflicts (2 of 4 stars). 2 submissions from 2 submitters: Uncertain significance (2). Last evaluated 2026-03-20.

Conditions:
VWF-related disorder. Also called: VWF-related disorders; VWF-related condition.

gnomAD v4.1: 1 of 1,613,080 alleles (0.000062%); highest among the groups gnomAD compares: Non-Finnish European, 0.000085%; no homozygotes.

Submissions (2):

PreventionGenetics, part of Exact Sciences
Classification: Uncertain significance for VWF-related condition. Last evaluated: 2026-03-20. Review status: criteria provided, single submitter. Criteria: ACMG Guidelines, 2015. Collection method: clinical testing. Allele origin: germline.
Comment: The VWF c.1438C>G variant is predicted to result in the amino acid substitution p.Leu480Val. To our knowledge, this variant has not been reported in the literature or in a large population database (gnomAD), indicating this variant is rare. At this time, the clinical significance of this variant is uncertain due to the absence of conclusive functional and genetic evidence.

Women's Health and Genetics/Laboratory Corporation of America, LabCorp
Classification: Uncertain significance. Last evaluated: 2026-01-20. Review status: criteria provided, single submitter. Criteria: LabCorp Variant Classification Summary - May 2015. Collection method: clinical testing. Allele origin: germline.
Comment: Variant summary: VWF c.1438C>G (p.Leu480Val) results in a conservative amino acid change in the encoded protein sequence. Algorithms developed to predict the effect of missense changes on protein structure and function are either unavailable or do not agree on the potential impact of this missense change. The variant was absent in 249600 control chromosomes. The available data on variant occurrences in the general population are insufficient to allow any conclusion about variant significance. To our knowledge, no occurrence of c.1438C>G in individuals affected with VWF-related conditions and no experimental evidence demonstrating its impact on protein function have been reported. No submitters have cited clinical-significance assessments for this variant to ClinVar. Based on the evidence outlined above, the variant was classified as uncertain significance.